The following is an entry in ClinVar:

ClinVar aggregate classification (germline): Pathogenic. Review status: criteria provided, multiple submitters, no conflicts (2 of 4 stars). 6 submissions from 6 submitters: Pathogenic (6). Last evaluated 2026-01-07.

Conditions:
Alport syndrome 3b, autosomal recessive. Identifiers: MedGen C5882699, MONDO:0957811, OMIM 620536.
Hematuria, benign familial, 2 (BFH2). Identifiers: MedGen C5830421, MONDO:0958186, OMIM 620320.
Autosomal dominant Alport syndrome (ATS3A). Also called: ALPORT SYNDROME 3A, AUTOSOMAL DOMINANT; Alport syndrome dominant type; Renal failure and sensorineural hearing loss. Identifiers: Orphanet 63, Orphanet 88918, MedGen C5882663, MONDO:0007086, OMIM 104200.
Inborn genetic diseases. Identifiers: MedGen C0950123, MeSH D030342.
COL4A3-related disorder. Also called: COL4A3-Related Disorders; COL4A3-related condition.
Alport syndrome. Also called: Hemorrhagic familial nephritis; Hemorrhagic hereditary nephritis; Congenital hereditary hematuria. Identifiers: Orphanet 63, MedGen C1567741, MONDO:0018965.

Allele frequency attached by ClinVar (database versions not stated): gnomAD 0.00001; TOPMed 0.00001.
gnomAD v4.1: 8 of 1,613,944 alleles (0.0005%); highest among the groups gnomAD compares: Admixed American, 0.0033%; no homozygotes.

Submissions (6):

3billion
Classification: Pathogenic for Alport syndrome 3b, autosomal recessive. Last evaluated: 2026-01-07. Review status: criteria provided, single submitter. Criteria: ACMG Guidelines, 2015. Collection method: clinical testing. Allele origin: germline. Affected: yes.
Comment: The variant is observed at an extremely low frequency in the gnomAD v4.1.0 dataset (total allele frequency: <0.001%). Predicted Consequence/Location: Stop-gained (nonsense): predicted to result in a loss or disruption of normal protein function through nonsense-mediated decay (NMD) or protein truncation. Multiple pathogenic variants are reported downstream of the variant. The variant has been reported at least twice as pathogenic without evidence for the classification (ClinVar ID: VCV000985677 /PMID: 33040356). Therefore, this variant is classified as Pathogenic according to the recommendation of ACMG/AMP guideline.

Natera, Inc.
Classification: Pathogenic for Alport syndrome. Last evaluated: 2026-01-07. Review status: criteria provided, single submitter. Criteria: Natera Variant Classification Schema (03/2026). Collection method: clinical testing. Allele origin: germline.
Comment: The c.4348C>T variant in COL4A3 is a nonsense variant predicted to introduce a stop codon at amino acid 1450. This variant is expected to result in nonsense mediated decay, truncation, or a dysfunctional protein product. This variant is rare in the general population with a frequency below the threshold expected for the associated phenotype(s). This variant has been observed in one or more individuals affected with the associated recessive disease, as either homozygous or compound heterozygous with a second variant (PMID: 33040356, 37097554). Given the available evidence, this variant is classified as Pathogenic.

PreventionGenetics, part of Exact Sciences
Classification: Pathogenic for COL4A3-related condition. Last evaluated: 2024-10-15. Review status: criteria provided, single submitter. Criteria: ACMG Guidelines, 2015. Collection method: clinical testing. Allele origin: germline.
Comment: The COL4A3 c.4348C>T variant is predicted to result in premature protein termination (p.Arg1450*). This variant has been reported with different pathogenic variants in presumably unrelated individuals with Alport syndrome (Boeckhaus et al. 2021. PubMed ID: 33040356; Supplementary Table 1, Zhou et al. 2023. PubMed ID: 37097554). This variant has not been reported in a large population database (gnomAD), indicating this variant is rare. Nonsense variants in COL4A3 are expected to be pathogenic for both autosomal dominant and recessive COL4A3-related conditions. This variant is interpreted as pathogenic for both autosomal dominant and recessive COL4A3-related kidney diseases.

Fulgent Genetics
Classification: Pathogenic for Autosomal dominant Alport syndrome; Hematuria, benign familial, 2; Alport syndrome 3b, autosomal recessive. Last evaluated: 2024-03-14. Review status: criteria provided, single submitter. Criteria: ACMG Guidelines, 2015. Collection method: clinical testing. Allele origin: germline.

Labcorp Genetics (formerly Invitae), Labcorp
Classification: Pathogenic. Last evaluated: 2024-02-02. Review status: criteria provided, single submitter. Criteria: Invitae Variant Classification Sherloc (09022015). Collection method: clinical testing. Allele origin: germline.
Comment: This sequence change creates a premature translational stop signal (p.Arg1450*) in the COL4A3 gene. It is expected to result in an absent or disrupted protein product. Loss-of-function variants in COL4A3 are known to be pathogenic (PMID: 8956999, 24854265, 26809805, 27281700). This variant is not present in population databases (gnomAD no frequency). This premature translational stop signal has been observed in individual(s) with Alport syndrome (PMID: 33040356). ClinVar contains an entry for this variant (Variation ID: 985677). For these reasons, this variant has been classified as Pathogenic.

Ambry Genetics
Classification: Pathogenic for Inborn genetic diseases. Last evaluated: 2017-11-06. Review status: criteria provided, single submitter. Criteria: Ambry exome assertion method (8-5-2015). Collection method: clinical testing. Allele origin: germline. Affected: yes. Observed: 1 variant allele.

Literature cited by the submitters: PubMed 33040356 (cited by 3 submitters); PubMed 37097554 (cited by Natera, Inc.); PubMed 8956999 (cited by Labcorp Genetics (formerly Invitae), Labcorp); PubMed 24854265 (cited by Labcorp Genetics (formerly Invitae), Labcorp); PubMed 26809805 (cited by Labcorp Genetics (formerly Invitae), Labcorp); PubMed 27281700 (cited by Labcorp Genetics (formerly Invitae), Labcorp).

NM_000091.5(COL4A3):c.4348C>T (p.Arg1450Ter)

Genes: MFF-DT (MFF divergent transcript; minus strand), COL4A3 (collagen type IV alpha 3 chain; plus strand). Cytogenetic location: 2q36.3.
Variant type: single nucleotide variant.
Coding change: c.4348C>T on transcript NM_000091.5 (MANE Select); coding-DNA position 4348, C replaced by T.
Protein change: p.Arg1450Ter; replaces arginine 1450 with a stop codon.
Molecular consequence: nonsense.
Genome position (GRCh38, 1-based): chr2:227,307,805, C>T. VCF-style: chr2-227307805-C-T. GRCh37 (hg19) VCF-style: chr2-228172521-C-T.
Other names: short protein forms R1450*.
Identifiers: ClinVar variation 985677 (VCV000985677.15), dbSNP rs1189607438, ClinGen allele CA350864298.